The following is an entry in ClinVar:

NM_001851.6(COL9A1):c.913-2A>C

Gene: COL9A1 (collagen type IX alpha 1 chain; minus strand). Cytogenetic location: 6q13.
Variant type: single nucleotide variant.
Coding change: c.913-2A>C on transcript NM_001851.6 (MANE Select); the canonical splice acceptor site of the intron before coding-DNA position 913, A replaced by C.
Molecular consequence: splice acceptor variant.
Genome position (GRCh38, 1-based): chr6:70,280,876, T>G on the plus strand (A>C on the coding strand, the complement: COL9A1 is on the minus strand). VCF-style: chr6-70280876-T-G. GRCh37 (hg19) VCF-style: chr6-70990579-T-G.
Other names: c.184-2A>C (NM_001377290.1, NM_078485.4, NM_001377289.1); c.913-2A>C (NM_001377291.1).
Identifiers: ClinVar variation 2768534 (VCV002768534.3), dbSNP rs2483454898, ClinGen allele CA364665822.

ClinVar aggregate classification (germline): Likely pathogenic (1 of 4 stars; one submission).

Submission:

Labcorp Genetics (formerly Invitae), Labcorp
Classification: Likely pathogenic. Last evaluated: 2023-11-25. Review status: criteria provided, single submitter. Criteria: Invitae Variant Classification Sherloc (09022015). Collection method: clinical testing. Allele origin: germline.
Comment: This sequence change affects an acceptor splice site in intron 9 of the COL9A1 gene. It is expected to disrupt RNA splicing. Variants that disrupt the donor or acceptor splice site typically lead to a loss of protein function (PMID: 16199547), and loss-of-function variants in COL9A1 are known to be pathogenic (PMID: 16909383, 21421862). This variant is not present in population databases (gnomAD no frequency). This variant has not been reported in the literature in individuals affected with COL9A1-related conditions. Algorithms developed to predict the effect of sequence changes on RNA splicing suggest that this variant may disrupt the consensus splice site. In summary, the currently available evidence indicates that the variant is pathogenic, but additional data are needed to prove that conclusively. Therefore, this variant has been classified as Likely Pathogenic.

Literature cited by the submitters: PubMed 16199547; PubMed 16909383; PubMed 21421862.